The following is an entry in ClinVar:

ClinVar aggregate classification (germline): Uncertain significance (1 of 4 stars; one submission).

Conditions:
Hereditary sensory and autonomic neuropathy with spastic paraplegia (HSNSP). Identifiers: Orphanet 139578, MedGen C1850395, MONDO:0009748, OMIM 256840.

Allele frequency attached by ClinVar (database versions not stated): gnomAD exomes 0.00001 and 0.00002; TOPMed 0.00001; ExAC 0.00002.
gnomAD v4.1: 11 of 1,614,228 alleles (0.00068%); highest among the groups gnomAD compares: Middle Eastern, 0.049%; no homozygotes.

Submission:

Labcorp Genetics (formerly Invitae), Labcorp
Classification: Uncertain significance for Hereditary sensory and autonomic neuropathy with spastic paraplegia. Last evaluated: 2018-05-24. Review status: criteria provided, single submitter. Criteria: Invitae Variant Classification Sherloc (09022015). Collection method: clinical testing. Allele origin: germline.
Comment: This sequence change replaces lysine with threonine at codon 439 of the CCT5 protein (p.Lys439Thr). The lysine residue is highly conserved and there is a moderate physicochemical difference between lysine and threonine. This variant is present in population databases (rs768671276, ExAC 0.003%). This variant has not been reported in the literature in individuals with CCT5-related disease. ClinVar contains an entry for this variant (Variation ID: 465406). Algorithms developed to predict the effect of missense changes on protein structure and function are either unavailable or do not agree on the potential impact of this missense change (SIFT: "Deleterious"; PolyPhen-2: "Benign"; Align-GVGD: "Class C0"). In summary, the available evidence is currently insufficient to determine the role of this variant in disease. Therefore, it has been classified as a Variant of Uncertain Significance.

NM_012073.5(CCT5):c.1316A>C (p.Lys439Thr)

Gene: CCT5 (chaperonin containing TCP1 subunit 5; plus strand). Cytogenetic location: 5p15.2.
Variant type: single nucleotide variant.
Coding change: c.1316A>C on transcript NM_012073.5 (MANE Select); coding-DNA position 1316, A replaced by C.
Protein change: p.Lys439Thr; replaces lysine 439 with threonine.
Molecular consequence: missense variant.
Genome position (GRCh38, 1-based): chr5:10,262,617, A>C. VCF-style: chr5-10262617-A-C. GRCh37 (hg19) VCF-style: chr5-10262729-A-C.
Other names: c.1253A>C, p.Lys418Thr (NM_001306153.1); c.1151A>C, p.Lys384Thr (NM_001306154.2); c.1037A>C, p.Lys346Thr (NM_001306155.2); c.1202A>C, p.Lys401Thr (NM_001306156.2); short protein forms K439T, K346T, K384T, K418T, K401T.
Identifiers: ClinVar variation 465406 (VCV000465406.8), dbSNP rs768671276, ClinGen allele CA3198320.